The following is an entry in ClinVar:

ClinVar aggregate classification (germline): Pathogenic/Likely pathogenic. Review status: criteria provided, multiple submitters, no conflicts (2 of 4 stars). 12 submissions from 12 submitters: Pathogenic (9); Likely pathogenic (2). 1 of the submissions does not count toward it. Last evaluated 2025-11-16.

Conditions:
Inborn genetic diseases. Identifiers: MedGen C0950123, MeSH D030342.
GRIN1-related disorder. Also called: GRIN1-related condition.
Neurodevelopmental disorder with or without hyperkinetic movements and seizures, autosomal dominant. Also called: Intellectual disability, autosomal dominant 8. Identifiers: MedGen C3280282, MONDO:0013655, OMIM 614254.
Seizure. Also called: Seizures. Identifiers: MedGen C0036572, HP:0001250.

Submissions (12):

PreventionGenetics, part of Exact Sciences
Classification: Pathogenic for GRIN1-related condition. Last evaluated: 2025-11-16. Review status: criteria provided, single submitter. Criteria: ACMG Guidelines, 2015. Collection method: clinical testing. Allele origin: germline.
Comment: The GRIN1 c.1858G>C variant is predicted to result in the amino acid substitution p.Gly620Arg. This variant has been reported with de novo occurrence in multiple individuals affected with GRIN1-related disease (Chen et al. 2017. PubMed ID: 28228639; Li et al. 2019. PubMed ID: 31429998; Costain et al. 2019. PubMed ID: 31487502). This variant has not been reported in a large population database (gnomAD), indicating this variant is rare. This variant is interpreted as pathogenic.

Dasa
Classification: Pathogenic. Last evaluated: 2025-08-07. Review status: criteria provided, single submitter. Criteria: DASA Assertion Criteria. Collection method: clinical testing. Allele origin: germline.
Comment: NM_007327.4(GRIN1):c.1858G>C (p.Gly620Arg) is a missense variant that results in the substitution of glycine with arginine. This variant results in the same amino acid change as a previously established pathogenic variant. De novo occurrence has been reported in an individual with related phenotype. Functional evidence supports a deleterious effect on the gene or gene product (PMID: 28228639; PMID: 31429998; PMID: 27164704; PMID: 34884460). This variant has been recurrently observed in individuals with related phenotype (PMID: 28228639; PMID: 31429998; PMID: 27164704; PMID: 34884460). Multiple computational predictions support a deleterious effect on the gene or gene product. The variant is present at low frequency in population datasets. Based on the available data, this variant is classified as pathogenic.

Labcorp Genetics (formerly Invitae), Labcorp
Classification: Pathogenic for Neurodevelopmental disorder with or without hyperkinetic movements and seizures, autosomal dominant. Last evaluated: 2023-11-27. Review status: criteria provided, single submitter. Criteria: Invitae Variant Classification Sherloc (09022015). Collection method: clinical testing. Allele origin: germline.
Comment: This sequence change replaces glycine, which is neutral and non-polar, with arginine, which is basic and polar, at codon 620 of the GRIN1 protein (p.Gly620Arg). This variant is not present in population databases (gnomAD no frequency). This missense change has been observed in individual(s) with clinical features of autosomal dominant GRIN1-related conditions (PMID: 28228639, 34884460). In at least one individual the variant was observed to be de novo. ClinVar contains an entry for this variant (Variation ID: 209159). Advanced modeling of protein sequence and biophysical properties (such as structural, functional, and spatial information, amino acid conservation, physicochemical variation, residue mobility, and thermodynamic stability) has been performed at Invitae for this missense variant, however the output from this modeling did not meet the statistical confidence thresholds required to predict the impact of this variant on GRIN1 protein function. Experimental studies have shown that this missense change affects GRIN1 function (PMID: 28228639, 31429998). For these reasons, this variant has been classified as Pathogenic.

Illumina Laboratory Services, Illumina
Classification: Pathogenic for Neurodevelopmental disorder with or without hyperkinetic movements and seizures, autosomal dominant. Last evaluated: 2023-11-06. Review status: criteria provided, single submitter. Criteria: ICSLVariantClassificationCriteria RUGD 01 April 2020. Collection method: clinical testing. Allele origin: unknown.
Comment: The GRIN1 c.1858G>C p.(Gly620Arg) missense variant has been reported in a heterozygous state in at least five individuals in the literature with a phenotype spectrum including neurodevelopmental delay and hypotonia (PMID: 28228639; 34884460; 31487502; 27164704). The variant occurred de novo in at least two of these individuals (PMID: 28228639; 27164704). This variant is not observed in version 2.1.1 or version 3.1.2 of the Genome Aggregation Database. Multiple lines of computational evidence suggest the variant may impact the gene or gene product. Functional studies co-expressing GluN1-G620R variant constructs with wildtype GluN2 subunits in Xenopus oocytes and continuous cell lines demonstrated that this variant impacts NMDAR trafficking and function (PMID: 28228639; 27164704). Based on the available evidence the c.1858G>C p.(Gly620Arg) variant is classified as pathogenic for GRIN1-related neurodevelopmental disorder.

GeneDx
Classification: Pathogenic. Last evaluated: 2023-01-21. Review status: criteria provided, single submitter. Criteria: GeneDx Variant Classification Process June 2021. Collection method: clinical testing. Allele origin: germline. Affected: yes.
Comment: Published functional studies demonstrate a damaging effect: loss of NMDA receptor function (Lemke et al., 2016; Chen et al., 2017); Not observed at significant frequency in large population cohorts (gnomAD); In silico analysis supports that this missense variant has a deleterious effect on protein structure/function; This variant is associated with the following publications: (PMID: 27164704, 26633545, 28228639, 31487502, 31429998)

Women's Health and Genetics/Laboratory Corporation of America, LabCorp
Classification: Pathogenic for Neurodevelopmental disorder with or without hyperkinetic movements and seizures, autosomal dominant. Last evaluated: 2022-04-16. Review status: criteria provided, single submitter. Criteria: LabCorp Variant Classification Summary - May 2015. Collection method: clinical testing. Allele origin: germline.
Comment: Variant summary: GRIN1 c.1858G>C (p.Gly620Arg) results in a non-conservative amino acid change located in the Ionotropic glutamate receptor domain (IPR001320) of the encoded protein sequence. Five of five in-silico tools predict a damaging effect of the variant on protein function. The variant was absent in 244402 control chromosomes. c.1858G>C has been reported in the literature as a de-novo variant in multiple individuals affected with features of Autosomal Dominant Neurodevelopmental Disorder With Or Without Hyperkinetic Movements And Seizures (example, Chen_2017, Lemke_2016, Costain_2019, Li_2019, Santos-Gomez_2021). These data indicate that the variant is likely to be associated with disease. At least one publication reports experimental evidence evaluating an impact on protein function reporting a reduction in N-methyl-D-aspartate (NMDAR) receptor trafficking, expression and function (example, Chen_2017). Six clinical diagnostic laboratories have submitted clinical-significance assessments for this variant to ClinVar after 2014 without evidence for independent evaluation. All laboratories classified the variant as pathogenic/likely pathogenic. Based on the evidence outlined above, the variant was classified as pathogenic.

CeGaT Center for Human Genetics Tuebingen
Classification: Pathogenic. Last evaluated: 2022-03-01. Review status: criteria provided, single submitter. Criteria: CeGaT Center For Human Genetics Tuebingen Variant Classification Criteria Version 2. Collection method: clinical testing. Allele origin: germline. Affected: yes. Observed: 1 variant allele.
Comment: GRIN1: PS2, PM1, PM2, PP2, PP3, PS3:Supporting

Greenwood Genetic Center Diagnostic Laboratories, Greenwood Genetic Center
Classification: Pathogenic. Last evaluated: 2021-01-19. Review status: criteria provided, single submitter. Criteria: ACMG Guidelines, 2015. Collection method: clinical testing. Allele origin: germline. Affected: yes.
Comment: PS3, PP2, PP3, PM1, PM2, PS4_Moderate

Ambry Genetics
Classification: Likely pathogenic for Inborn genetic diseases. Last evaluated: 2018-12-24. Review status: criteria provided, single submitter. Criteria: Ambry Variant Classification Scheme 2023. Collection method: clinical testing. Allele origin: germline.
Comment: The p.G620R variant (also known as c.1858G>C), located in coding exon 13 of the GRIN1 gene, results from a G to C substitution at nucleotide position 1858. The glycine at codon 620 is replaced by arginine, an amino acid with dissimilar properties. This alteration has been reported in individuals with intellectual disability and has been shown to have an impact on protein function (Lemke JR et al. Neurology, 2016 06;86:2171-8; Chen W et al. J. Hum. Genet., 2017 Jun;62:589-597). This amino acid position is highly conserved in available vertebrate species. In addition, this alteration is predicted to be deleterious by in silico analysis. Based on the majority of available evidence to date, this variant is likely to be pathogenic.

Baylor Genetics
Classification: Likely pathogenic for Mental retardation, autosomal dominant 8. Last evaluated: 2014-10-21. Review status: criteria provided, single submitter. Criteria: Yang et al. 2013. Collection method: clinical testing. Allele origin: de novo. Inheritance: Autosomal dominant inheritance. Affected: yes. Observed: 2 variant alleles, 2 heterozygotes. Study: Adult_WES.

Equipe Genetique des Anomalies du Developpement, Université de Bourgogne
Classification: Pathogenic for Seizure. Review status: criteria provided, single submitter. Criteria: ACMG Guidelines, 2015. Collection method: research. Allele origin: de novo. Affected: yes.

OMIM
Classification: Pathogenic for NEURODEVELOPMENTAL DISORDER WITH HYPERKINETIC MOVEMENTS AND WITHOUT SEIZURES, AUTOSOMAL DOMINANT. Last evaluated: 2022-03-28. Review status: no assertion criteria provided. Collection method: literature only. Allele origin: germline. Not counted in ClinVar's aggregate classification.

Literature cited by the submitters: PubMed 28228639 (cited by 6 submitters); PubMed 31429998 (cited by 3 submitters); PubMed 27164704 (cited by 5 submitters); PubMed 34884460 (cited by 4 submitters); PubMed 31487502 (cited by Illumina Laboratory Services, Illumina and Women's Health and Genetics/Laboratory Corporation of America, LabCorp); PubMed 26633545 (cited by Baylor Genetics).

NM_007327.4(GRIN1):c.1858G>C (p.Gly620Arg)

Gene: GRIN1 (glutamate ionotropic receptor NMDA type subunit 1; plus strand). Cytogenetic location: 9q34.3.
Variant type: single nucleotide variant.
Coding change: c.1858G>C on transcript NM_007327.4 (MANE Select); coding-DNA position 1858, G replaced by C.
Protein change: p.Gly620Arg; replaces glycine 620 with arginine.
Molecular consequence: missense variant.
Genome position (GRCh38, 1-based): chr9:137,162,510, G>C. VCF-style: chr9-137162510-G-C. GRCh37 (hg19) VCF-style: chr9-140056962-G-C.
Other names: GRIN1, GLY620ARG, 1858G-C; c.1858G>C, p.Gly620Arg (NM_000832.7, NM_021569.4); c.1921G>C, p.Gly641Arg (NM_001185090.2, NM_001185091.2); short protein forms G620R, G641R.
Identifiers: ClinVar variation 209159 (VCV000209159.59), dbSNP rs797045047, ClinGen allele CA250354.